The following is an entry in ClinVar:

ClinVar aggregate classification (germline): Likely pathogenic. Review status: criteria provided, multiple submitters, no conflicts (2 of 4 stars). 2 submissions from 2 submitters: Likely pathogenic (2). Last evaluated 2025-11-29.

Conditions:
Deficiency of UDPglucose-hexose-1-phosphate uridylyltransferase. Also called: GALACTOSE-1-PHOSPHATE URIDYLYLTRANSFERASE DEFICIENCY; GALT deficiency; Galactosemia, classic; GALACTOSEMIA I; Transferase Deficiency Galactosemia. Identifiers: Orphanet 352, Orphanet 79239, MedGen C0268151, MONDO:0009258, OMIM 230400.
Galactosemia. Also called: Galactose intolerance. Identifiers: Orphanet 352, MedGen C0016952, MONDO:0018116, HP:0004919. Disease mechanism: loss of function.

Allele frequency attached by ClinVar (database versions not stated): ExAC 0.00001; gnomAD exomes 0.00001.
gnomAD v4.1: 3 of 1,614,104 alleles (0.00019%); highest among the groups gnomAD compares: Non-Finnish European, 0.00025%; no homozygotes.

Submissions (2):

Natera, Inc.
Classification: Likely pathogenic for Galactosemia. Last evaluated: 2025-11-29. Review status: criteria provided, single submitter. Criteria: Natera Variant Classification Schema (03/2026). Collection method: clinical testing. Allele origin: germline.
Comment: The c.821-1G>A variant in GALT is a canonical splice acceptor site variant predicted to affect pre-mRNA splicing, which may result in an abnormal transcript and altered protein product. This variant is expected to result in nonsense mediated decay, truncation, or a dysfunctional protein product. This variant is rare in the general population with a frequency below the threshold expected for the associated phenotype(s). Given the available evidence, this variant is classified as Likely Pathogenic.

Baylor Genetics
Classification: Likely pathogenic for Deficiency of UDPglucose-hexose-1-phosphate uridylyltransferase. Last evaluated: 2024-02-19. Review status: criteria provided, single submitter. Criteria: ACMG Guidelines, 2015. Collection method: clinical testing. Allele origin: unknown.

NM_000155.4(GALT):c.821-1G>A

Gene: GALT (galactose-1-phosphate uridylyltransferase; plus strand). Cytogenetic location: 9p13.3.
Variant type: single nucleotide variant.
Coding change: c.821-1G>A on transcript NM_000155.4 (MANE Select); the canonical splice acceptor site of the intron before coding-DNA position 821, G replaced by A.
Molecular consequence: splice acceptor variant.
Genome position (GRCh38, 1-based): chr9:34,648,997, G>A. VCF-style: chr9-34648997-G-A. GRCh37 (hg19) VCF-style: chr9-34648994-G-A.
Other names: c.494-1G>A (NM_001258332.2); c.821-1G>A (NM_000155.3).
Identifiers: ClinVar variation 3241675 (VCV003241675.3), dbSNP rs750226076.